The following is an entry in ClinVar:

ClinVar aggregate classification (germline): Likely benign (1 of 4 stars; one submission).

Conditions:
ARID1B-Related Disorder. Identifiers: MedGen CN381337.

gnomAD v4.1: 19 of 1,614,078 alleles (0.0012%); highest among the groups gnomAD compares: Admixed American, 0.005%; no homozygotes.

Submission:

PreventionGenetics, part of Exact Sciences
Classification: Likely benign for ARID1B-related condition. Last evaluated: 2025-11-04. Review status: criteria provided, single submitter. Criteria: ACMG Guidelines, 2015. Collection method: clinical testing. Allele origin: germline.
Comment: This variant is classified as likely benign based on ACMG/AMP sequence variant interpretation guidelines (Richards et al. 2015 PMID: 25741868, with internal and published modifications).

NM_001374828.1(ARID1B):c.2046A>G (p.Pro682=)

Gene: ARID1B (AT-rich interaction domain 1B; plus strand). Cytogenetic location: 6q25.3.
Variant type: single nucleotide variant.
Coding change: c.2046A>G on transcript NM_001374828.1 (MANE Select); coding-DNA position 2046, A replaced by G.
Protein change: p.Pro682=; no amino-acid change (proline 682 retained).
Molecular consequence: synonymous variant.
Genome position (GRCh38, 1-based): chr6:156,901,435, A>G. VCF-style: chr6-156901435-A-G. GRCh37 (hg19) VCF-style: chr6-157222569-A-G.
Other names: c.2085A>G, p.Pro695= (NM_001371656.1, NM_001374820.1); c.2046A>G, p.Pro682= (NM_001438482.1, NM_001438483.1, NM_001438485.1 and 7 more transcripts); c.1836A>G (NM_020732.3).
Identifiers: ClinVar variation 4978865 (VCV004978865.1).
Genomic context (GRCh38, chr6:156,901,435, plus strand): 5'-GATGCCACCTCAGTATGGACAGCAAGGTGTGAGTGGTTACTGCCAGCAGGGCCAACAGCC[A>G]TATTACAGCCAGCAGCCGCAGCCCCCGCACCTCCCACCCCAGGCGCAGTATCTGCCGTCC-3'
Protein context (NP_001361757.1, residues 672-692): VSGYCQQGQQ[Pro682=]YYSQQPQPPH